The following is an entry in ClinVar:

NM_018249.6(CDK5RAP2):c.1093-27A>G

Gene: CDK5RAP2 (CDK5 regulatory subunit associated protein 2; minus strand). Cytogenetic location: 9q33.2.
Variant type: single nucleotide variant.
Coding change: c.1093-27A>G on transcript NM_018249.6 (MANE Select); 27 bases into the intron before coding-DNA position 1093, A replaced by G.
Molecular consequence: intron variant.
Genome position (GRCh38, 1-based): chr9:120,518,672, T>C on the plus strand (A>G on the coding strand, the complement: CDK5RAP2 is on the minus strand). VCF-style: chr9-120518672-T-C. GRCh37 (hg19) VCF-style: chr9-123280950-T-C.
Other names: c.1093-27A>G (NM_001272039.2, NM_001011649.3).
Identifiers: ClinVar variation 158127 (VCV000158127.10), dbSNP rs2095064, ClinGen allele CA171558.

ClinVar aggregate classification (germline): Benign. Review status: criteria provided, multiple submitters, no conflicts (2 of 4 stars). 4 submissions from 4 submitters: Benign (3). 1 of the submissions does not count toward it. Last evaluated 2021-07-14.

Conditions:
Microcephaly 3, primary, autosomal recessive. Identifiers: Orphanet 2512, MedGen C1858108, MONDO:0011488, OMIM 604804.

Allele frequency attached by ClinVar (database versions not stated): 1000 Genomes Project 0.79573; 1000 Genomes Project 30x 0.79731; TOPMed 0.82234; gnomAD 0.83235 and 0.83452; ExAC 0.87626; gnomAD exomes 0.87780 and 0.91268; ESP Exome Variant Server 0.83692.
gnomAD v4.1: 1,438,596 of 1,590,604 alleles (90%); highest among the groups gnomAD compares: Non-Finnish European, 93%; 654,558 homozygotes.

Submissions (4):

Genome-Nilou Lab
Classification: Benign for Microcephaly 3, primary, autosomal recessive. Last evaluated: 2021-07-14. Review status: criteria provided, single submitter. Criteria: ACMG Guidelines, 2015. Collection method: clinical testing. Allele origin: germline. Affected: no.

GeneDx
Classification: Benign. Last evaluated: 2018-06-16. Review status: criteria provided, single submitter. Criteria: GeneDx Variant Classification (06012015). Collection method: clinical testing. Allele origin: germline. Affected: yes.
Comment: This variant is considered likely benign or benign based on one or more of the following criteria: it is a conservative change, it occurs at a poorly conserved position in the protein, it is predicted to be benign by multiple in silico algorithms, and/or has population frequency not consistent with disease.

Breakthrough Genomics
Classification: Benign. Review status: criteria provided, single submitter. Criteria: ACMG Guidelines, 2015. Collection method: not provided. Allele origin: germline. Inheritance: Autosomal recessive inheritance. Affected: yes.

Genetic Services Laboratory, University of Chicago
Classification: Likely benign. Review status: no assertion criteria provided. Collection method: clinical testing. Allele origin: germline. Inheritance: Autosomal recessive inheritance. Not counted in ClinVar's aggregate classification.
Comment: Likely benign based on allele frequency in 1000 Genomes Project or ESP global frequency and its presence in a patient with a rare or unrelated disease phenotype. NOT Sanger confirmed